The following is an entry in ClinVar:

ClinVar aggregate classification (germline): Uncertain significance. Review status: criteria provided, multiple submitters, no conflicts (2 of 4 stars). 2 submissions from 2 submitters: Uncertain significance (2). Last evaluated 2025-09-22.

Conditions:
Inborn genetic diseases. Identifiers: MedGen C0950123, MeSH D030342.
Drash syndrome (DDS). Also called: NEPHROPATHY, WILMS TUMOR, AND GENITAL ANOMALIES; WILMS TUMOR AND PSEUDO- OR TRUE HERMAPHRODITISM. Identifiers: Orphanet 220, MedGen C0950121, MONDO:0008682, OMIM 194080.
Frasier syndrome. Identifiers: Orphanet 347, MedGen C0950122, MeSH D052159, MONDO:0007635, OMIM 136680.
Wilms tumor 1 (WT1). Also called: Wilms tumor, somatic. Identifiers: Orphanet 654, MedGen CN033288, MONDO:0008679, OMIM 194070.
11p partial monosomy syndrome (WAGR). Also called: WAGR Spectrum Disorder; WAGR syndrome; WAGR Complex; CHROMOSOME 11p13 DELETION SYNDROME. Identifiers: Orphanet 893, MedGen C0206115, MONDO:0008681, OMIM 194072.

Submissions (2):

Ambry Genetics
Classification: Uncertain significance for Inborn genetic diseases. Last evaluated: 2025-09-22. Review status: criteria provided, single submitter. Criteria: Ambry Variant Classification Scheme 2023. Collection method: clinical testing. Allele origin: germline.
Comment: The p.G38R variant (also known as c.112G>C), located in coding exon 1 of the WT1 gene, results from a G to C substitution at nucleotide position 112. The glycine at codon 38 is replaced by arginine, an amino acid with dissimilar properties. This amino acid position is conserved. In addition, this alteration is predicted to be tolerated by in silico analysis. Based on the available evidence, the clinical significance of this variant remains unclear.

Labcorp Genetics (formerly Invitae), Labcorp
Classification: Uncertain significance for Wilms tumor 1; Drash syndrome; 11p partial monosomy syndrome; Frasier syndrome. Last evaluated: 2022-10-23. Review status: criteria provided, single submitter. Criteria: Invitae Variant Classification Sherloc (09022015). Collection method: clinical testing. Allele origin: germline.
Comment: This sequence change replaces glycine, which is neutral and non-polar, with arginine, which is basic and polar, at codon 38 of the WT1 protein (p.Gly38Arg). This variant is not present in population databases (gnomAD no frequency). This variant has not been reported in the literature in individuals affected with WT1-related conditions. Advanced modeling of protein sequence and biophysical properties (such as structural, functional, and spatial information, amino acid conservation, physicochemical variation, residue mobility, and thermodynamic stability) has been performed at Invitae for this missense variant, however the output from this modeling did not meet the statistical confidence thresholds required to predict the impact of this variant on WT1 protein function. In summary, the available evidence is currently insufficient to determine the role of this variant in disease. Therefore, it has been classified as a Variant of Uncertain Significance.

NM_024426.6(WT1):c.127G>C (p.Gly43Arg)

Genes: WT1 (WT1 transcription factor; minus strand), LOC107982234 (WT1/WT1-AS bi-directional promoter region; plus strand). Cytogenetic location: 11p13.
Variant type: single nucleotide variant.
Coding change: c.127G>C on transcript NM_024426.6 (MANE Select); coding-DNA position 127, G replaced by C.
Protein change: p.Gly43Arg; replaces glycine 43 with arginine.
Molecular consequence: missense variant. On other transcripts: non-coding transcript variant (1).
Genome position (GRCh38, 1-based): chr11:32,435,234, C>G on the plus strand (G>C on the coding strand, the complement: WT1 is on the minus strand). VCF-style: chr11-32435234-C-G. GRCh37 (hg19) VCF-style: chr11-32456780-C-G.
Other names: c.112G>C (NM_024426.4); c.127G>C, p.Gly43Arg (NM_000378.6, NM_001407044.1, NM_001407045.1 and 6 more transcripts); c.112G>C, p.Gly38Arg (NM_024425.2); short protein forms G38R, G43R.
Identifiers: ClinVar variation 1722064 (VCV001722064.7), dbSNP rs1166553415, ClinGen allele CA379966331.